The following is an entry in ClinVar:

NM_001360.3(DHCR7):c.294G>A (p.Gln98=)

Gene: DHCR7 (7-dehydrocholesterol reductase; minus strand). Cytogenetic location: 11q13.4.
Variant type: single nucleotide variant.
Coding change: c.294G>A on transcript NM_001360.3 (MANE Select); coding-DNA position 294, G replaced by A.
Protein change: p.Gln98=; no amino-acid change (glutamine 98 retained).
Molecular consequence: synonymous variant.
Genome position (GRCh38, 1-based): chr11:71,444,020, C>T on the plus strand (G>A on the coding strand, the complement: DHCR7 is on the minus strand). VCF-style: chr11-71444020-C-T. GRCh37 (hg19) VCF-style: chr11-71155066-C-T.
Other names: c.294G>A, p.Gln98= (NM_001163817.2).
Identifiers: ClinVar variation 508366 (VCV000508366.8), dbSNP rs1209981156, ClinGen allele CA475520126.

ClinVar aggregate classification (germline): Likely benign. Review status: criteria provided, multiple submitters, no conflicts (2 of 4 stars). 2 submissions from 2 submitters: Likely benign (2). Last evaluated 2023-05-27.

Conditions:
Smith-Lemli-Opitz syndrome (SLOS). Also called: 7-Dehydrocholesterol reductase deficiency; LETHAL ACRODYSGENITAL SYNDROME; POLYDACTYLY, SEX REVERSAL, RENAL HYPOPLASIA, AND UNILOBAR LUNG; RSH SYNDROME; RUTLEDGE LETHAL MULTIPLE CONGENITAL ANOMALY SYNDROME. Identifiers: Orphanet 818, MedGen C0175694, MONDO:0010035, OMIM 270400.

Allele frequency attached by ClinVar (database versions not stated): gnomAD exomes 0.00001 and 0.00002; TOPMed 0.00001; gnomAD 0.00003 and 0.00004.
gnomAD v4.1: 9 of 1,612,684 alleles (0.00056%); highest among the groups gnomAD compares: Admixed American, 0.015%; no homozygotes.

Submissions (2):

Labcorp Genetics (formerly Invitae), Labcorp
Classification: Likely benign for Smith-Lemli-Opitz syndrome. Last evaluated: 2023-05-27. Review status: criteria provided, single submitter. Criteria: Invitae Variant Classification Sherloc (09022015). Collection method: clinical testing. Allele origin: germline.

GeneDx
Classification: Likely benign. Last evaluated: 2017-03-28. Review status: criteria provided, single submitter. Criteria: GeneDx Variant Classification (06012015). Collection method: clinical testing. Allele origin: germline. Affected: yes.
Comment: This variant is considered likely benign or benign based on one or more of the following criteria: it is a conservative change, it occurs at a poorly conserved position in the protein, it is predicted to be benign by multiple in silico algorithms, and/or has population frequency not consistent with disease.